The following is an entry in ClinVar:

ClinVar aggregate classification (germline): Benign. Review status: criteria provided, single submitter (1 of 4 stars). 2 submissions from 2 submitters: Benign (1). 1 of the submissions does not count toward it. Last evaluated 2025-06-25.

Conditions:
Skeletal overgrowth-craniofacial dysmorphism-hyperelastic skin-white matter lesions syndrome. Also called: SKELETAL OVERGROWTH WITH FACIAL DYSMORPHISM, HYPERELASTIC SKIN, WHITE MATTER LESIONS, AND NEUROLOGIC DETERIORATION; Kosaki overgrowth syndrome. Identifiers: Orphanet 477831, MedGen C4225270, MONDO:0014704, OMIM 616592.
Infantile myofibromatosis (IMF). Also called: Congenital generalized fibromatosis. Identifiers: Orphanet 2591, MedGen C0432284, MONDO:0016824.
Acroosteolysis-keloid-like lesions-premature aging syndrome. Also called: Premature aging syndrome, Penttinen type; Prematurely aged appearance, delayed bone maturation, acro-osteolysis, and brachydactyly; Progeroid syndrome, Penttinen type. Identifiers: Orphanet 363665, MedGen C1866182, MONDO:0011150, OMIM 601812.
Basal ganglia calcification, idiopathic, 4 (PFBC4). Also called: Familial Idiopathic Basal Ganglia Calcification 4; PRIMARY FAMILIAL BRAIN CALCIFICATION 4, AUTOSOMAL DOMINANT. Identifiers: Orphanet 1980, MedGen C3554321, MONDO:0014004, OMIM 615007.
PDGFRB-related disorder. Also called: PDGFRB-related condition.

Allele frequency attached by ClinVar (database versions not stated): gnomAD 0.00009; 1000 Genomes Project 30x 0.00016; 1000 Genomes Project 0.00020; gnomAD exomes 0.00003; ESP Exome Variant Server 0.00015; ExAC 0.00005; TOPMed 0.00010.
gnomAD v4.1: 64 of 1,614,090 alleles (0.004%); highest among the groups gnomAD compares: African/African-American, 0.035%; no homozygotes.

Submissions (2):

Labcorp Genetics (formerly Invitae), Labcorp
Classification: Benign for Basal ganglia calcification, idiopathic, 4; Skeletal overgrowth-craniofacial dysmorphism-hyperelastic skin-white matter lesions syndrome; Infantile myofibromatosis; Acroosteolysis-keloid-like lesions-premature aging syndrome. Last evaluated: 2025-06-25. Review status: criteria provided, single submitter. Criteria: Invitae Variant Classification Sherloc (09022015). Collection method: clinical testing. Allele origin: germline.

PreventionGenetics, part of Exact Sciences
Classification: Likely benign for PDGFRB-related condition. Last evaluated: 2019-04-10. Review status: no assertion criteria provided. Collection method: clinical testing. Allele origin: germline. Not counted in ClinVar's aggregate classification.
Comment: This variant is classified as likely benign based on ACMG/AMP sequence variant interpretation guidelines (Richards et al. 2015 PMID: 25741868, with internal and published modifications).

NM_002609.4(PDGFRB):c.780G>A (p.Pro260=)

Gene: PDGFRB (platelet derived growth factor receptor beta; minus strand). Cytogenetic location: 5q32.
Variant type: single nucleotide variant.
Coding change: c.780G>A on transcript NM_002609.4 (MANE Select); coding-DNA position 780, G replaced by A.
Protein change: p.Pro260=; no amino-acid change (proline 260 retained).
Molecular consequence: synonymous variant.
Genome position (GRCh38, 1-based): chr5:150,133,740, C>T on the plus strand (G>A on the coding strand, the complement: PDGFRB is on the minus strand). VCF-style: chr5-150133740-C-T. GRCh37 (hg19) VCF-style: chr5-149513303-C-T.
Other names: c.588G>A, p.Pro196= (NM_001355016.2); c.297G>A, p.Pro99= (NM_001355017.2).
Identifiers: ClinVar variation 3057699 (VCV003057699.3), dbSNP rs141245163, ClinGen allele CA3508190.